The following is an entry in ClinVar:

ClinVar aggregate classification (germline): Benign (0 of 4 stars; one submission).

Conditions:
XIRP2-related disorder. Also called: XIRP2-related condition.

Allele frequency attached by ClinVar (database versions not stated): gnomAD exomes 0.00047; gnomAD 0.00062; ExAC 0.00069; TOPMed 0.00073; ESP Exome Variant Server 0.00076.
gnomAD v4.1: 844 of 1,612,932 alleles (0.052%); highest among the groups gnomAD compares: Admixed American, 0.062%; 9 homozygotes.

Submission:

PreventionGenetics, part of Exact Sciences
Classification: Benign for XIRP2-related condition. Last evaluated: 2019-09-17. Review status: no assertion criteria provided. Collection method: clinical testing. Allele origin: germline.
Comment: This variant is classified as benign based on ACMG/AMP sequence variant interpretation guidelines (Richards et al. 2015 PMID: 25741868, with internal and published modifications).

NM_152381.6(XIRP2):c.*343T>C

Gene: XIRP2 (xin actin binding repeat containing 2; plus strand). Cytogenetic location: 2q24.3.
Variant type: single nucleotide variant.
Coding change: c.*343T>C on transcript NM_152381.6 (MANE Select); 343 bases downstream of the stop codon, T replaced by C.
Molecular consequence: 3 prime UTR variant. On other transcripts: synonymous variant (3).
Genome position (GRCh38, 1-based): chr2:167,258,160, T>C. VCF-style: chr2-167258160-T-C. GRCh37 (hg19) VCF-style: chr2-168114670-T-C.
Other names: c.1614T>C, p.Ile538= (NM_001079810.4); c.1713T>C, p.Ile571= (NM_001199143.2); c.*343T>C (NM_001199144.2); c.948T>C, p.Ile316= (NM_001199145.2).
Identifiers: ClinVar variation 3040214 (VCV003040214.2), dbSNP rs199841580, ClinGen allele CA1948385.
Genomic context (GRCh38, chr2:167,258,160, plus strand): 5'-CAGTGAAGGGCAAAGGAATGATTTGAGAAAATTAGGGGAAAGGGGAAAATTAAAAGTCAT[T>C]TGGCCTCCTTCCAAGGAGATCCCTAAGAAAACCTTACCCTTTGAGGAAGAGCTCAAAATG-3'